The following is an entry in ClinVar:

NM_000548.5(TSC2):c.2808G>C (p.Arg936=)

Gene: TSC2 (TSC complex subunit 2; plus strand). Cytogenetic location: 16p13.3.
Variant type: single nucleotide variant.
Coding change: c.2808G>C on transcript NM_000548.5 (MANE Select); coding-DNA position 2808, G replaced by C.
Protein change: p.Arg936=; no amino-acid change (arginine 936 retained).
Molecular consequence: synonymous variant. On other transcripts: non-coding transcript variant (5).
Genome position (GRCh38, 1-based): chr16:2,076,556, G>C. VCF-style: chr16-2076556-G-C. GRCh37 (hg19) VCF-style: chr16-2126557-G-C.
Other names: c.2808G>C, p.Arg936= (NM_001077183.3, NM_001114382.3, NM_001363528.2 and 6 more transcripts); c.2697G>C, p.Arg899= (NM_001318827.2, NM_001406670.1, NM_001406678.1); c.2661G>C, p.Arg887= (NM_001318829.2, NM_001406675.1, NM_001406676.1 and 1 more transcripts); c.2208G>C, p.Arg736= (NM_001318831.2, NM_001406680.1, NM_001406682.1 and 6 more transcripts); c.2841G>C, p.Arg947= (NM_001318832.2); c.2898G>C, p.Arg966= (NM_001406667.1, NM_001406668.1); c.2796G>C, p.Arg932= (NM_001406671.1, NM_001406673.1); c.2751G>C, p.Arg917= (NM_001406677.1); and 3 more.
Identifiers: ClinVar variation 1923125 (VCV001923125.8), dbSNP rs147003028, ClinGen allele CA042031.

ClinVar aggregate classification (germline): Benign/Likely benign. Review status: criteria provided, multiple submitters, no conflicts (2 of 4 stars). 5 submissions from 5 submitters: Benign (2); Likely benign (3). Last evaluated 2025-05-27.

Conditions:
Tuberous sclerosis syndrome (TSC). Also called: Tuberous Sclerosis Complex; Tuberous sclerosis. Identifiers: Orphanet 805, MedGen C0041341, MONDO:0001734.
Hereditary cancer-predisposing syndrome. Also called: Hereditary neoplastic syndrome; Tumor predisposition; Hereditary Cancer Syndrome; Neoplastic Syndromes, Hereditary. Identifiers: Orphanet 140162, MedGen C0027672, MeSH D009386, MONDO:0015356.
Tuberous sclerosis 2 (TSC2). Identifiers: Orphanet 805, MedGen C1860707, MONDO:0013199, OMIM 613254.

Allele frequency attached by ClinVar (database versions not stated): ExAC 0.00001; gnomAD exomes 0.00001; gnomAD 0.00002; 1000 Genomes Project 30x 0.00047; 1000 Genomes Project 0.00060.
gnomAD v4.1: 10 of 1,613,478 alleles (0.00062%); highest among the groups gnomAD compares: African/African-American, 0.012%; no homozygotes.

Submissions (5):

Myriad Genetics, Inc.
Classification: Benign for Tuberous sclerosis 2. Last evaluated: 2025-05-27. Review status: criteria provided, single submitter. Criteria: Myriad Autosomal Dominant, Autosomal Recessive and X-Linked Classification Criteria (2023). Collection method: clinical testing. Allele origin: unknown.
Comment: This variant is considered benign. This variant is a silent/synonymous amino acid change and it is not expected to impact splicing.

Blueprint Genetics
Classification: Likely benign. Last evaluated: 2024-11-27. Review status: criteria provided, single submitter. Criteria: ACMG Guidelines, 2015. Collection method: clinical testing. Allele origin: germline.

Labcorp Genetics (formerly Invitae), Labcorp
Classification: Benign for Tuberous sclerosis 2. Last evaluated: 2024-08-20. Review status: criteria provided, single submitter. Criteria: Invitae Variant Classification Sherloc (09022015). Collection method: clinical testing. Allele origin: germline.

Ambry Genetics
Classification: Likely benign for Hereditary cancer-predisposing syndrome. Last evaluated: 2023-11-09. Review status: criteria provided, single submitter. Criteria: Ambry Variant Classification Scheme 2023. Collection method: clinical testing. Allele origin: germline.

Color Diagnostics, LLC DBA Color Health
Classification: Likely benign for Tuberous sclerosis syndrome. Last evaluated: 2022-09-28. Review status: criteria provided, single submitter. Criteria: ACMG Guidelines, 2015. Collection method: clinical testing. Allele origin: germline.